The following is an entry in ClinVar:

NM_000051.4(ATM):c.2449G>T (p.Asp817Tyr)

Gene: ATM (ATM serine/threonine kinase; plus strand). Cytogenetic location: 11q22.3.
Variant type: single nucleotide variant.
Coding change: c.2449G>T on transcript NM_000051.4 (MANE Select); coding-DNA position 2449, G replaced by T.
Protein change: p.Asp817Tyr; replaces aspartic acid 817 with tyrosine.
Molecular consequence: missense variant.
Genome position (GRCh38, 1-based): chr11:108,259,058, G>T. VCF-style: chr11-108259058-G-T. GRCh37 (hg19) VCF-style: chr11-108129785-G-T.
Other names: c.2449G>T, p.Asp817Tyr (NM_001351834.2); short protein forms D817Y.
Identifiers: ClinVar variation 1022012 (VCV001022012.8), dbSNP rs587778067, ClinGen allele CA382541358.

ClinVar aggregate classification (germline): Uncertain significance (1 of 4 stars; one submission).

Conditions:
Ataxia-telangiectasia syndrome (AT). Also called: ATAXIA-TELANGIECTASIA, FRESNO VARIANT; Ataxia-telangiectasia, complementation group D; AT, COMPLEMENTATION GROUP C; Cerebello-oculocutaneous telangiectasia; Immunodeficiency with ataxia telangiectasia; Ataxia telangiectasia (A-T). Identifiers: Orphanet 100, MedGen C0004135, MONDO:0008840, OMIM 208900.

Submission:

Labcorp Genetics (formerly Invitae), Labcorp
Classification: Uncertain significance for Ataxia-telangiectasia syndrome. Last evaluated: 2020-03-10. Review status: criteria provided, single submitter. Criteria: Invitae Variant Classification Sherloc (09022015). Collection method: clinical testing. Allele origin: germline.
Comment: In summary, the available evidence is currently insufficient to determine the role of this variant in disease. Therefore, it has been classified as a Variant of Uncertain Significance. This sequence change replaces aspartic acid with tyrosine at codon 817 of the ATM protein (p.Asp817Tyr). The aspartic acid residue is highly conserved and there is a large physicochemical difference between aspartic acid and tyrosine. Algorithms developed to predict the effect of missense changes on protein structure and function (SIFT, PolyPhen-2, Align-GVGD) all suggest that this variant is likely to be disruptive, but these predictions have not been confirmed by published functional studies and their clinical significance is uncertain. This variant has not been reported in the literature in individuals with ATM-related conditions. This variant is not present in population databases (ExAC no frequency).